The following is an entry in ClinVar:

NM_004725.4(BUB3):c.862G>A (p.Gly288Arg)

Gene: BUB3 (BUB3 mitotic checkpoint protein; plus strand). Cytogenetic location: 10q26.13.
Variant type: single nucleotide variant.
Coding change: c.862G>A on transcript NM_004725.4 (MANE Select); coding-DNA position 862, G replaced by A.
Protein change: p.Gly288Arg; replaces glycine 288 with arginine.
Molecular consequence: missense variant.
Genome position (GRCh38, 1-based): chr10:123,162,719, G>A. VCF-style: chr10-123162719-G-A. GRCh37 (hg19) VCF-style: chr10-124922235-G-A.
Other names: c.862G>A, p.Gly288Arg (NM_001007793.3); short protein forms G288R.
Identifiers: ClinVar variation 3483300 (VCV003483300.1).

ClinVar aggregate classification (germline): Uncertain significance (1 of 4 stars; one submission).

Submission:

Ambry Genetics
Classification: Uncertain significance. Last evaluated: 2024-11-14. Review status: criteria provided, single submitter. Criteria: Ambry Variant Classification Scheme 2023. Collection method: clinical testing. Allele origin: germline.
Comment: The p.G288R variant (also known as c.862G>A), located in coding exon 6 of the BUB3 gene, results from a G to A substitution at nucleotide position 862. The glycine at codon 288 is replaced by arginine, an amino acid with dissimilar properties. This amino acid position is conserved. In addition, this alteration is predicted to be deleterious by in silico analysis. Based on the available evidence, the clinical significance of this variant remains unclear.